The following is an entry in ClinVar:

NM_016239.4(MYO15A):c.4178T>C (p.Leu1393Pro)

Gene: MYO15A (myosin XVA; plus strand). Cytogenetic location: 17p11.2.
Variant type: single nucleotide variant.
Coding change: c.4178T>C on transcript NM_016239.4 (MANE Select); coding-DNA position 4178, T replaced by C.
Protein change: p.Leu1393Pro; replaces leucine 1393 with proline.
Molecular consequence: missense variant.
Genome position (GRCh38, 1-based): chr17:18,131,503, T>C. VCF-style: chr17-18131503-T-C. GRCh37 (hg19) VCF-style: chr17-18034817-T-C.
Other names: c.4178T>C (NM_016239.3); short protein forms L1393P.
Identifiers: ClinVar variation 1440742 (VCV001440742.9), dbSNP rs755138870, ClinGen allele CA8423792.

ClinVar aggregate classification (germline): Uncertain significance. Review status: criteria provided, multiple submitters, no conflicts (2 of 4 stars). 2 submissions from 2 submitters: Uncertain significance (2). Last evaluated 2022-11-07.

Conditions:
Inborn genetic diseases. Identifiers: MedGen C0950123, MeSH D030342.

Allele frequency attached by ClinVar (database versions not stated): TOPMed below 0.00001; gnomAD 0.00001.
gnomAD v4.1: 5 of 1,613,774 alleles (0.00031%); highest among the groups gnomAD compares: Non-Finnish European, 0.00042%; no homozygotes.

Submissions (2):

Ambry Genetics
Classification: Uncertain significance for Inborn genetic diseases. Last evaluated: 2022-11-07. Review status: criteria provided, single submitter. Criteria: Ambry Variant Classification Scheme 2023. Collection method: clinical testing. Allele origin: germline.

Labcorp Genetics (formerly Invitae), Labcorp
Classification: Uncertain significance. Last evaluated: 2021-04-02. Review status: criteria provided, single submitter. Criteria: Invitae Variant Classification Sherloc (09022015). Collection method: clinical testing. Allele origin: germline.
Comment: This variant has not been reported in the literature in individuals with MYO15A-related conditions. This variant is present in population databases (rs755138870, ExAC 0.003%). This sequence change replaces leucine with proline at codon 1393 of the MYO15A protein (p.Leu1393Pro). The leucine residue is highly conserved and there is a moderate physicochemical difference between leucine and proline. Algorithms developed to predict the effect of missense changes on protein structure and function are either unavailable or do not agree on the potential impact of this missense change (SIFT: "Tolerated"; PolyPhen-2: "Not Available"; Align-GVGD: "Class C0"). In summary, the available evidence is currently insufficient to determine the role of this variant in disease. Therefore, it has been classified as a Variant of Uncertain Significance.